The following is an entry in ClinVar:

NM_000038.6(APC):c.1318G>A (p.Ala440Thr)

Gene: APC (APC regulator of Wnt signaling pathway; plus strand). Cytogenetic location: 5q22.2.
Variant type: single nucleotide variant.
Coding change: c.1318G>A on transcript NM_000038.6 (MANE Select); coding-DNA position 1318, G replaced by A.
Protein change: p.Ala440Thr; replaces alanine 440 with threonine.
Molecular consequence: missense variant.
Genome position (GRCh38, 1-based): chr5:112,821,901, G>A. VCF-style: chr5-112821901-G-A. GRCh37 (hg19) VCF-style: chr5-112157598-G-A.
Other names: c.1318G>A, p.Ala440Thr (NM_001127510.3, NM_001354895.2, NM_001354896.2); c.1264G>A, p.Ala422Thr (NM_001127511.3); c.1348G>A, p.Ala450Thr (NM_001354897.2); c.1243G>A, p.Ala415Thr (NM_001354898.2); c.1234G>A, p.Ala412Thr (NM_001354899.2); c.1141G>A, p.Ala381Thr (NM_001354900.2, NM_001354901.2); c.1045G>A, p.Ala349Thr (NM_001354902.2); c.1015G>A, p.Ala339Thr (NM_001354903.2); and 3 more; short protein forms A422T, A440T, A349T, A381T, A412T, A415T, A157T, A280T.
Identifiers: ClinVar variation 418008 (VCV000418008.27), dbSNP rs1064793023, ClinGen allele CA16024191.

ClinVar aggregate classification (germline): Conflicting classifications of pathogenicity. Review status: criteria provided, conflicting classifications (1 of 4 stars). 8 submissions from 8 submitters: Uncertain significance (5); Likely benign (2). 1 of the submissions does not count toward it. Last evaluated 2026-01-20.

Conditions:
APC-related disorder. Also called: APC-related condition.
Hereditary cancer-predisposing syndrome. Also called: Hereditary neoplastic syndrome; Tumor predisposition; Neoplastic Syndromes, Hereditary; Hereditary Cancer Syndrome. Identifiers: Orphanet 140162, MedGen C0027672, MeSH D009386, MONDO:0015356.
Familial adenomatous polyposis 1 (FAP1). Also called: FAMILIAL ADENOMATOUS POLYPOSIS 1, ATTENUATED; POLYPOSIS, ADENOMATOUS INTESTINAL. Identifiers: MedGen C2713442, MONDO:0021056, OMIM 175100. Disease mechanism: loss of function.
Classic or attenuated familial adenomatous polyposis. Identifiers: MedGen CN372698, MONDO:0021057.

gnomAD v4.1: 4 of 1,611,958 alleles (0.00025%); highest among the groups gnomAD compares: Admixed American, 0.0067%; no homozygotes.

Submissions (8):

Labcorp Genetics (formerly Invitae), Labcorp
Classification: Uncertain significance for Familial adenomatous polyposis 1. Last evaluated: 2026-01-20. Review status: criteria provided, single submitter. Criteria: Invitae Variant Classification Sherloc (09022015). Collection method: clinical testing. Allele origin: germline.
Comment: This sequence change replaces alanine, which is neutral and non-polar, with threonine, which is neutral and polar, at codon 440 of the APC protein (p.Ala440Thr). This variant is present in population databases (no rsID available, gnomAD 0.009%). This variant has not been reported in the literature in individuals affected with APC-related conditions. ClinVar contains an entry for this variant (Variation ID: 418008). Invitae Evidence Modeling of protein sequence and biophysical properties (such as structural, functional, and spatial information, amino acid conservation, physicochemical variation, residue mobility, and thermodynamic stability) indicates that this missense variant is not expected to disrupt APC protein function with a negative predictive value of 95%. In summary, the available evidence is currently insufficient to determine the role of this variant in disease. Therefore, it has been classified as a Variant of Uncertain Significance.

Color Diagnostics, LLC DBA Color Health
Classification: Likely benign for Hereditary cancer-predisposing syndrome. Last evaluated: 2025-03-17. Review status: criteria provided, single submitter. Criteria: ACMG Guidelines, 2015. Collection method: clinical testing. Allele origin: germline.

All of Us Research Program, National Institutes of Health
Classification: Uncertain significance for Classic or attenuated familial adenomatous polyposis. Last evaluated: 2024-08-06. Review status: criteria provided, single submitter. Criteria: ACMG Guidelines, 2015. Collection method: clinical testing. Allele origin: germline. Inheritance: Autosomal dominant inheritance. Observed: 8 variant alleles, 8 heterozygotes.
Comment: This missense variant replaces alanine with threonine at codon 440 of the APC protein. Computational prediction suggests that this variant may not impact protein structure and function (internally defined REVEL score threshold <= 0.5, PMID: 27666373). To our knowledge, functional studies have not been reported for this variant. This variant has not been reported in individuals affected with APC-related disorders in the literature. This variant has been identified in 3/250476 chromosomes in the general population by the Genome Aggregation Database (gnomAD). The available evidence is insufficient to determine the role of this variant in disease conclusively. Therefore, this variant is classified as a Variant of Uncertain Significance.

This study involves interpretation of variants in research participants for the purpose of population health screening. Participant phenotype was not available at the time of variant classification. Additional details can be found in publication PMID: 35346344, PMCID: PMC8962531

Baylor Genetics
Classification: Uncertain significance for Familial adenomatous polyposis 1. Last evaluated: 2024-03-21. Review status: criteria provided, single submitter. Criteria: ACMG Guidelines, 2015. Collection method: clinical testing. Allele origin: unknown.

GeneDx
Classification: Uncertain significance. Last evaluated: 2022-12-09. Review status: criteria provided, single submitter. Criteria: GeneDx Variant Classification Process June 2021. Collection method: clinical testing. Allele origin: germline. Affected: yes.
Comment: Not observed at significant frequency in large population cohorts (gnomAD); In silico analysis supports that this missense variant does not alter protein structure/function; Has not been previously published as pathogenic or benign to our knowledge

Ambry Genetics
Classification: Likely benign for Hereditary cancer-predisposing syndrome. Last evaluated: 2021-06-22. Review status: criteria provided, single submitter. Criteria: Ambry Variant Classification Scheme 2023. Collection method: clinical testing. Allele origin: germline.

Women's Health and Genetics/Laboratory Corporation of America, LabCorp
Classification: Uncertain significance. Last evaluated: 2017-02-16. Review status: criteria provided, single submitter. Criteria: LabCorp Variant Classification Summary - May 2015. Collection method: clinical testing. Allele origin: germline.
Comment: Variant summary: The APC c.1318G>A (p.Ala440Thr) variant involves the alteration of a conserved nucleotide. 2/4 in silico tools predict a benign outcome for this variant (SNPs&GO not captured due to low reliability index). This variant is absent in 120198 control chromosomes. The variant of interest has not, to our knowledge, been reported in affected individuals via publications and/or reputable databases/clinical diagnostic laboratories; nor evaluated for functional impact by in vivo/vitro studies. Because of the absence of clinical information and the lack of functional studies, the variant is classified as a variant of uncertain significance (VUS) until additional information becomes available.

PreventionGenetics, part of Exact Sciences
Classification: Uncertain significance for APC-related condition. Last evaluated: 2024-02-21. Review status: no assertion criteria provided. Collection method: clinical testing. Allele origin: germline. Not counted in ClinVar's aggregate classification.
Comment: The APC c.1318G>A variant is predicted to result in the amino acid substitution p.Ala440Thr. To our knowledge, this variant has not been reported in the literature. This variant is reported in 0.0087% of alleles in individuals of Latino descent in gnomAD and is interpreted as a variant of uncertain significance by majority of submitters in ClinVar. At this time, the clinical significance of this variant is uncertain due to the absence of conclusive functional and genetic evidence.